The following is an entry in ClinVar:

ClinVar aggregate classification (germline): Uncertain significance (1 of 4 stars; one submission).

Conditions:
3M syndrome 1. Also called: 3-M Syndrome, CUL7-Related. Identifiers: Orphanet 2616, MedGen C2678312, MONDO:0010117, OMIM 273750.

Allele frequency attached by ClinVar (database versions not stated): gnomAD 0.00001 and 0.00002; TOPMed 0.00003; ESP Exome Variant Server 0.00008; gnomAD exomes 0.00008.
gnomAD v4.1: 70 of 1,608,996 alleles (0.0044%); highest among the groups gnomAD compares: Middle Eastern, 0.16%; no homozygotes.

Submission:

Baylor Genetics
Classification: Uncertain significance for 3M syndrome 1. Last evaluated: 2020-07-27. Review status: criteria provided, single submitter. Criteria: ACMG Guidelines, 2015. Collection method: clinical testing. Allele origin: unknown. Affected: yes.
Comment: This variant was determined to be of uncertain significance according to ACMG Guidelines, 2015 [PMID:25741868].

NM_014780.5(CUL7):c.580+48C>T

Gene: CUL7 (cullin 7; minus strand). Cytogenetic location: 6p21.1.
Variant type: single nucleotide variant.
Coding change: c.580+48C>T on transcript NM_014780.5 (MANE Select); 48 bases into the intron after coding-DNA position 580, C replaced by T.
Molecular consequence: intron variant. On other transcripts: missense variant (2).
Genome position (GRCh38, 1-based): chr6:43,052,161, G>A on the plus strand (C>T on the coding strand, the complement: CUL7 is on the minus strand). VCF-style: chr6-43052161-G-A. GRCh37 (hg19) VCF-style: chr6-43019899-G-A.
Other names: c.628C>T, p.Arg210Trp (NM_001168370.2, NM_001374872.1); c.580+48C>T (NM_001374874.1, NM_001374873.1); short protein forms R210W.
Identifiers: ClinVar variation 1029207 (VCV001029207.1), dbSNP rs377606153, ClinGen allele CA3814364.
Genomic context (GRCh38, chr6:43,052,161, plus strand): 5'-TCATTTACGTACTGATGAGATCAGAGGCTCCTGCCACAGTGTCCTGTGAGTCCCTGAGCC[G>A]ACCCAGCCCTTCTCCTGCTTTCCCTTCCTCCCCACACTGCCCCTCACCAGCGTCATGGGA-3'